The following is an entry in ClinVar:

ClinVar aggregate classification (germline): Uncertain significance. Review status: criteria provided, multiple submitters, no conflicts (2 of 4 stars). 2 submissions from 2 submitters: Uncertain significance (2). Last evaluated 2025-03-06.

Conditions:
Hereditary cancer-predisposing syndrome. Also called: Tumor predisposition; Neoplastic Syndromes, Hereditary; Hereditary neoplastic syndrome; Hereditary Cancer Syndrome. Identifiers: Orphanet 140162, MedGen C0027672, MeSH D009386, MONDO:0015356.
Gastrointestinal stromal tumor. Also called: Gastrointestinal stromal tumor, somatic; Gastrointestinal stroma tumor. Identifiers: Orphanet 44890, MedGen C0238198, MeSH D046152, MONDO:0011719, OMIM 606764, HP:0100723.

Submissions (2):

Ambry Genetics
Classification: Uncertain significance for Hereditary cancer-predisposing syndrome. Last evaluated: 2025-03-06. Review status: criteria provided, single submitter. Criteria: Ambry Variant Classification Scheme 2023. Collection method: clinical testing. Allele origin: germline.
Comment: The c.1774+4A>G intronic variant results from an A to G substitution 4 nucleotides after coding exon 11 in the KIT gene. This nucleotide position is well conserved in available vertebrate species. In silico splice site analysis predicts that this alteration will result in the creation or strengthening of a novel splice donor site. Based on the available evidence, the clinical significance of this variant remains unclear.

Labcorp Genetics (formerly Invitae), Labcorp
Classification: Uncertain significance for Gastrointestinal stromal tumor. Last evaluated: 2024-08-15. Review status: criteria provided, single submitter. Criteria: Invitae Variant Classification Sherloc (09022015). Collection method: clinical testing. Allele origin: germline.
Comment: This sequence change falls in intron 11 of the KIT gene. It does not directly change the encoded amino acid sequence of the KIT protein. It affects a nucleotide within the consensus splice site. This variant is not present in population databases (gnomAD no frequency). This variant has not been reported in the literature in individuals affected with KIT-related conditions. ClinVar contains an entry for this variant (Variation ID: 1056247). Variants that disrupt the consensus splice site are a relatively common cause of aberrant splicing (PMID: 17576681, 9536098). Algorithms developed to predict the effect of sequence changes on RNA splicing suggest that this variant may disrupt the consensus splice site. In summary, the available evidence is currently insufficient to determine the role of this variant in disease. Therefore, it has been classified as a Variant of Uncertain Significance.

Literature cited by the submitters: PubMed 17576681 (cited by Labcorp Genetics (formerly Invitae), Labcorp); PubMed 9536098 (cited by Labcorp Genetics (formerly Invitae), Labcorp).

NM_000222.3(KIT):c.1774+4A>G

Gene: KIT (KIT proto-oncogene, receptor tyrosine kinase; plus strand). Cytogenetic location: 4q12.
Variant type: single nucleotide variant.
Coding change: c.1774+4A>G on transcript NM_000222.3 (MANE Select); 4 bases into the intron after coding-DNA position 1774, A replaced by G.
Molecular consequence: intron variant.
Genome position (GRCh38, 1-based): chr4:54,727,546, A>G. VCF-style: chr4-54727546-A-G. GRCh37 (hg19) VCF-style: chr4-55593712-A-G.
Other names: c.1774+4A>G (NM_000222.2, NM_001385285.1); c.1777+4A>G (NM_001385284.1, NM_001385290.1); c.1765+4A>G (NM_001385288.1, NM_001385292.1); c.1762+4A>G (NM_001093772.2, NM_001385286.1).
Identifiers: ClinVar variation 1056247 (VCV001056247.8), dbSNP rs2109777597, ClinGen allele CA2499217269.